The following is an entry in ClinVar:

ClinVar aggregate classification (germline): Uncertain significance (0 of 4 stars; one submission).

Conditions:
RPS19-related disorder. Also called: RPS19-related condition.

Allele frequency attached by ClinVar (database versions not stated): TOPMed 0.00001; gnomAD 0.00003; gnomAD exomes 0.00004.
gnomAD v4.1: 67 of 1,613,694 alleles (0.0042%); highest among the groups gnomAD compares: Non-Finnish European, 0.0057%; no homozygotes.

Submission:

PreventionGenetics, part of Exact Sciences
Classification: Uncertain significance for RPS19-related condition. Last evaluated: 2024-02-10. Review status: no assertion criteria provided. Collection method: clinical testing. Allele origin: germline.
Comment: The RPS19 c.227C>T variant is predicted to result in the amino acid substitution p.Thr76Ile. To our knowledge, this variant has not been reported in the literature. This variant is reported in 0.0065% of alleles in individuals of European (Non-Finnish) descent in gnomAD. At this time, the clinical significance of this variant is uncertain due to the absence of conclusive functional and genetic evidence.

NM_001022.4(RPS19):c.227C>T (p.Thr76Ile)

Genes: RPS19 (ribosomal protein S19; plus strand), RPS19-CD79A (RPS19-CD79A readthrough; plus strand). Cytogenetic location: 19q13.2.
Variant type: single nucleotide variant.
Coding change: c.227C>T on transcript NM_001022.4 (MANE Select); coding-DNA position 227, C replaced by T.
Protein change: p.Thr76Ile; replaces threonine 76 with isoleucine.
Molecular consequence: missense variant. On other transcripts: synonymous variant (1).
Genome position (GRCh38, 1-based): chr19:41,869,085, C>T. VCF-style: chr19-41869085-C-T. GRCh37 (hg19) VCF-style: chr19-42373155-C-T.
Other names: c.227C>T, p.Thr76Ile (NM_001321483.2, NM_001321484.2); c.240C>T, p.Asp80= (NM_001321485.2); short protein forms T76I.
Identifiers: ClinVar variation 3030171 (VCV003030171.2), dbSNP rs1356155484, ClinGen allele CA406030140.